The following is an entry in ClinVar:

ClinVar aggregate classification (germline): Uncertain significance (1 of 4 stars; one submission).

Submission:

GeneDx
Classification: Uncertain significance. Last evaluated: 2021-01-06. Review status: criteria provided, single submitter. Criteria: GeneDx Variant Classification Process June 2021. Collection method: clinical testing. Allele origin: germline. Affected: yes.
Comment: Not observed in large population cohorts (Lek et al., 2016); In silico analysis supports that this missense variant has a deleterious effect on protein structure/function; Has not been previously published as pathogenic or benign to our knowledge

NM_017780.4(CHD7):c.5103G>C (p.Gln1701His)

Gene: CHD7 (chromodomain helicase DNA binding protein 7; plus strand). Cytogenetic location: 8q12.2.
Variant type: single nucleotide variant.
Coding change: c.5103G>C on transcript NM_017780.4 (MANE Select); coding-DNA position 5103, G replaced by C.
Protein change: p.Gln1701His; replaces glutamine 1701 with histidine.
Molecular consequence: missense variant. On other transcripts: intron variant (1).
Genome position (GRCh38, 1-based): chr8:60,845,302, G>C. VCF-style: chr8-60845302-G-C. GRCh37 (hg19) VCF-style: chr8-61757861-G-C.
Other names: c.1717-16927G>C (NM_001316690.1); short protein forms Q1701H.
Identifiers: ClinVar variation 1313863 (VCV001313863.2), dbSNP rs2150793981, ClinGen allele CA371320392.